The following is an entry in ClinVar:

ClinVar aggregate classification (germline): Pathogenic (1 of 4 stars; one submission).

Conditions:
Rubinstein-Taybi syndrome due to CREBBP mutations (RSTS1). Also called: RUBINSTEIN-TAYBI SYNDROME 1, INCOMPLETE; RUBINSTEIN SYNDROME; BROAD THUMBS AND GREAT TOES, CHARACTERISTIC FACIES, AND IMPAIRED INTELLECTUAL DEVELOPMENT; Rubinstein-Taybi syndrome 1; BROAD THUMB-HALLUX SYNDROME; CREBBP-Related Rubinstein-Taybi Syndrome. Identifiers: Orphanet 353277, Orphanet 783, MedGen C4551859, MONDO:0008393, OMIM 180849.

Submission:

Pediatrics, Sichuan Provincial Hospital For Women And Children
Classification: Pathogenic for Rubinstein-Taybi syndrome due to CREBBP mutations. Last evaluated: 2023-04-01. Review status: criteria provided, single submitter. Criteria: ACMG Guidelines, 2015. Collection method: research. Allele origin: de novo. Inheritance: Autosomal dominant inheritance. Affected: yes. Observed: 1 hemizygote.
Comment: The disease is an autosomal dominant syndrome of multiple congenital abnormalities characterized by mental retardation, postnatal growth defects, and microcephaly Shape, broad thumb, facial deformity.

NM_004380.3(CREBBP):c.1068del (p.Gln356fs)

Gene: CREBBP (CREB binding lysine acetyltransferase; minus strand). Cytogenetic location: 16p13.3.
Variant type: Deletion.
Coding change: c.1068del on transcript NM_004380.3 (MANE Select); coding-DNA position 1068, one base deleted (G; older notation c.1068delG).
Protein change: p.Gln356fs; shifts the reading frame from glutamine 356.
Molecular consequence: frameshift variant.
Genome position (GRCh38, 1-based): chr16:3,793,534, C deleted on the plus strand (G on the coding strand, the reverse complement: CREBBP is on the minus strand). VCF-style (leftmost placement, unchanged base first): chr16-3793533-GC-G. GRCh37 (hg19) VCF-style: chr16-3843534-GC-G.
Other names: c.1068del, p.Gln356fs (NM_001079846.1); short protein forms Q356fs.
Identifiers: ClinVar variation 2446424 (VCV002446424.2), dbSNP rs2548464336, ClinGen allele CA2580091141.